The following is an entry in ClinVar:

NM_005732.4(RAD50):c.2824G>A (p.Asp942Asn)

Gene: RAD50 (RAD50 double strand break repair protein; plus strand). Cytogenetic location: 5q31.1.
Variant type: single nucleotide variant.
Coding change: c.2824G>A on transcript NM_005732.4 (MANE Select); coding-DNA position 2824, G replaced by A.
Protein change: p.Asp942Asn; replaces aspartic acid 942 with asparagine.
Molecular consequence: missense variant.
Genome position (GRCh38, 1-based): chr5:132,608,720, G>A. VCF-style: chr5-132608720-G-A. GRCh37 (hg19) VCF-style: chr5-131944412-G-A.
Other names: short protein forms D942N.
Identifiers: ClinVar variation 1796492 (VCV001796492.3), dbSNP rs2479370150, ClinGen allele CA360959238.

ClinVar aggregate classification (germline): Uncertain significance (1 of 4 stars; one submission).

Conditions:
Hereditary cancer-predisposing syndrome. Also called: Tumor predisposition; Hereditary Cancer Syndrome; Neoplastic Syndromes, Hereditary; Hereditary neoplastic syndrome. Identifiers: Orphanet 140162, MedGen C0027672, MeSH D009386, MONDO:0015356.

Allele frequency attached by ClinVar (database versions not stated): gnomAD exomes below 0.00001.
gnomAD v4.1: 1 of 1,577,660 alleles (0.000063%); highest among the groups gnomAD compares: Non-Finnish European, 0.000086%; no homozygotes.

Submission:

Ambry Genetics
Classification: Uncertain significance for Hereditary cancer-predisposing syndrome. Last evaluated: 2025-09-17. Review status: criteria provided, single submitter. Criteria: Ambry Variant Classification Scheme 2023. Collection method: clinical testing. Allele origin: germline.
Comment: The p.D942N variant (also known as c.2824G>A), located in coding exon 17 of the RAD50 gene, results from a G to A substitution at nucleotide position 2824. The aspartic acid at codon 942 is replaced by asparagine, an amino acid with highly similar properties. This amino acid position is conserved. In addition, this alteration is predicted to be tolerated by in silico analysis. Since supporting evidence is limited at this time, the clinical significance of this alteration remains unclear.